The following is an entry in ClinVar:

NM_005996.4(TBX3):c.457A>T (p.Met153Leu)

Gene: TBX3 (T-box transcription factor 3; minus strand). Cytogenetic location: 12q24.21.
Variant type: single nucleotide variant.
Coding change: c.457A>T on transcript NM_005996.4 (MANE Select); coding-DNA position 457, A replaced by T.
Protein change: p.Met153Leu; replaces methionine 153 with leucine.
Molecular consequence: missense variant.
Genome position (GRCh38, 1-based): chr12:114,681,079, T>A on the plus strand (A>T on the coding strand, the complement: TBX3 is on the minus strand). VCF-style: chr12-114681079-T-A. GRCh37 (hg19) VCF-style: chr12-115118884-T-A.
Other names: c.457A>T, p.Met153Leu (NM_016569.4); short protein forms M153L.
Identifiers: ClinVar variation 1371007 (VCV001371007.8), dbSNP rs1868907183, ClinGen allele CA386871816.
Genomic context (GRCh38, chr12:114,681,079, plus strand): 5'-CCACCATCCACCGAGAATTGTGAAATTTATAACGACAGTCATCAGCAGCTATAATGTCCA[T>A]CAATAAAATGTATTTGGCTTTTTTATCCAGCCCAGAACATCTCACTTTAAATGGAGGAAA-3'
Protein context (NP_005987.3, residues 143-163): LDKKAKYILL[Met153Leu]DIIAADDCRY

ClinVar aggregate classification (germline): Uncertain significance (1 of 4 stars; one submission).

Conditions:
Ulnar-mammary syndrome (UMS). Also called: Ulnar-mammary syndrome of Pallister; PALLISTER ULNAR-MAMMARY SYNDROME; SCHINZEL SYNDROME. Identifiers: Orphanet 3138, MedGen C1866994, MONDO:0008411, OMIM 181450.

Submission:

Labcorp Genetics (formerly Invitae), Labcorp
Classification: Uncertain significance for Ulnar-mammary syndrome. Last evaluated: 2022-08-15. Review status: criteria provided, single submitter. Criteria: Invitae Variant Classification Sherloc (09022015). Collection method: clinical testing. Allele origin: germline.
Comment: This sequence change replaces methionine, which is neutral and non-polar, with leucine, which is neutral and non-polar, at codon 153 of the TBX3 protein (p.Met153Leu). In summary, the available evidence is currently insufficient to determine the role of this variant in disease. Therefore, it has been classified as a Variant of Uncertain Significance. Algorithms developed to predict the effect of missense changes on protein structure and function (SIFT, PolyPhen-2, Align-GVGD) all suggest that this variant is likely to be tolerated. ClinVar contains an entry for this variant (Variation ID: 1371007). This variant has not been reported in the literature in individuals affected with TBX3-related conditions. This variant is not present in population databases (gnomAD no frequency).